The following is an entry in ClinVar:

ClinVar aggregate classification (germline): Likely benign. Review status: criteria provided, multiple submitters, no conflicts (2 of 4 stars). 2 submissions from 2 submitters: Likely benign (2). Last evaluated 2026-09-01.

Allele frequency attached by ClinVar (database versions not stated): 1000 Genomes Project 30x 0.00016; 1000 Genomes Project 0.00020.
gnomAD v4.1: 361 of 1,610,968 alleles (0.022%); highest among the groups gnomAD compares: Non-Finnish European, 0.03%; no homozygotes.

Submissions (2):

CeGaT Center for Human Genetics Tuebingen
Classification: Likely benign. Last evaluated: 2026-09-01. Review status: criteria provided, single submitter. Criteria: CeGaT Center For Human Genetics Tuebingen Variant Classification Criteria Version 2. Collection method: clinical testing. Allele origin: germline. Affected: yes. Observed: 2 variant alleles.
Comment: TCF20: BP4, BP7

Labcorp Genetics (formerly Invitae), Labcorp
Classification: Likely benign. Last evaluated: 2025-02-11. Review status: criteria provided, single submitter. Criteria: Invitae Variant Classification Sherloc (09022015). Collection method: clinical testing. Allele origin: germline.

NM_001378418.1(TCF20):c.5841C>G (p.Thr1947=)

Gene: TCF20 (transcription factor 20; minus strand). Cytogenetic location: 22q13.2.
Variant type: single nucleotide variant.
Coding change: c.5841C>G on transcript NM_001378418.1 (MANE Select); coding-DNA position 5841, C replaced by G.
Protein change: p.Thr1947=; no amino-acid change (threonine 1947 retained).
Molecular consequence: synonymous variant. On other transcripts: intron variant (1).
Genome position (GRCh38, 1-based): chr22:42,168,695, G>C on the plus strand (C>G on the coding strand, the complement: TCF20 is on the minus strand). VCF-style: chr22-42168695-G-C. GRCh37 (hg19) VCF-style: chr22-42564701-G-C.
Other names: c.5841C>G, p.Thr1947= (NM_005650.4); c.5799+1152C>G (NM_181492.3).
Identifiers: ClinVar variation 2992759 (VCV002992759.5), dbSNP rs201866155, ClinGen allele CA10266322.